The following continues an entry in ClinVar:

NM_003002.4(SDHD):c.242C>T (p.Pro81Leu)

Gene: SDHD. ClinVar aggregate classification (germline): Pathogenic/Likely pathogenic. Pathogenic (22); Likely pathogenic (1).

Submissions 10 to 19 of 27:

Color Diagnostics, LLC DBA Color Health
Classification: Pathogenic for Hereditary pheochromocytoma and paraganglioma. Last evaluated: 2023-10-27. Review status: criteria provided, single submitter. Criteria: ACMG Guidelines, 2015. Collection method: clinical testing. Allele origin: germline.
Comment: This missense variant replaces proline with leucine at codon 81 of the SDHD protein. Computational prediction suggests that this variant may have deleterious impact on protein structure and function (internally defined REVEL score threshold >= 0.7, PMID: 27666373). Functional studies have shown that succinate dehydrogenase complexes with this SDHD variant exhibit lower SDH enzyme activity observed via a higher succinate to fumarate metabolite ratio (PMID: 24758185, 25014000, 30050099). This variant has been reported in numerous individuals affected with pheochromocytoma/paraganglioma (PMID: 8981955, 10657297, 11343322, 11391796, 11391798, 11897817, 12811540, 14974914, 15235042, 15328326, 15479192, 17102085, 19454582, 21937622, 21348866, 22290790, 22575350, 23433498, 23666964, 24436918, 24102379, 25326637, 25494863, 25695889, 29386252, 29625052, 29681642, 29777207, 30050099, 30375904, 31492822). It has been also shown that this variant segregates with disease (PMID: 8981955, 11391796, 11897817, 15479192, 22575350, 25695889). This variant has been identified in 6/282810 chromosomes in the general population by the Genome Aggregation Database (gnomAD). Based on the available evidence, this variant is classified as Pathogenic.

Department of Pathology and Laboratory Medicine, Sinai Health System
Classification: Pathogenic for Pheochromocytoma/paraganglioma syndrome 1; Carney-Stratakis syndrome; Mitochondrial complex 2 deficiency, nuclear type 3. Last evaluated: 2023-02-13. Review status: criteria provided, single submitter. Criteria: ACMG Guidelines, 2015. Collection method: clinical testing. Allele origin: germline. Affected: no.

Genetics and Molecular Pathology, SA Pathology
Classification: Pathogenic for Pheochromocytoma/paraganglioma syndrome 1. Last evaluated: 2022-11-09. Review status: criteria provided, single submitter. Criteria: ACMG Guidelines, 2015. Collection method: clinical testing. Allele origin: germline. Inheritance: Autosomal dominant inheritance. Affected: yes.
Comment: The SDHD c.242C>T variant is classified as Pathogenic (PM2, PP3, PP1_Strong) The SDHD c.242C>T variant is a single nucleotide change in exon 3/4 of the SDHD gene, which is predicted to change the amino acid proline at position 81 in the protein to leucine. The variant has been reported in many patients with paraganglioma and has been suggested to be a founder variant (PMID:10657297, 11391796, 11897812, 19454582,21348866, 23433498, 25494863) (PS4). The variant is rare in population databases (gnomAD allele frequency = 0.0013%; 2 het and 0 hom in 152182 sequenced alleles; highest frequency = 0.0029%, Non-Finnish European population) (PM2). This variant co-segregates with disease (PMID:21937622, 10657297, 29386252) (PP1_strong). Computational predictions strongly support a deleterious effect on the gene or gene product (PP3). The variant has been reported in dbSNP (rs80338844) and as disease causing in the HGMD database (CM000207). It has been reported as Pathogenic by other diagnostic laboratories (ClinVar Variation ID: 6896).

Revvity Omics, Revvity
Classification: Pathogenic. Last evaluated: 2022-09-27. Review status: criteria provided, single submitter. Criteria: ACMG Guidelines, 2015. Collection method: clinical testing. Allele origin: germline.

New York Genome Center
Classification: Pathogenic for Hereditary Paraganglioma-Pheochromocytoma Syndrome. Last evaluated: 2022-09-12. Review status: criteria provided, single submitter. Criteria: NYGC Assertion Criteria 2020. Collection method: clinical testing. Allele origin: germline. Observed: 1 heterozygote.
Comment: The c.242C>T p.(Pro81Leu) variant identified in the SDHD gene is a known Pathogenic variant that has been reported in multiple familial and sporadic cases of head and neck paraganglioma or pheochromocytoma [PMID: 10657297, 29625052, 15479192, 30375904, 11391796, 11897817,30877234], and has been deposited in ClinVar as Pathogenic/Likely Pathogenic by multiple independent laboratories [ClinVar ID: 6896]. In one study, of 53 individuals with detailed clinical information and carrying the p.(Pro81Leu) variant, 15 were asymptomatic, 37 had head and neck paraganglioma (HNPGL) (two metastatic) and 1 had phaeochromocytoma and paraganglioma (PPGL). Authors concluded that the p.(Pro81Leu) variant carriers manifest almost exclusively with HNPGL, while other SDHD pathogenic variants predispose to both HNPGL and PPGL [PMID: 29386252]. The c.242C>T variant is observed in 8 out of 590,232 heterozygous alleles (no homozygotes) in population databases (gnomAD v2.1.1 and v3.1.2, TOPMed Freeze 8) suggesting it is not a common benign variant in the populations represented in those databases. The variant is located in exon 3 of this 4-exon gene, and is predicted to replace an evolutionarily conserved Proline amino acid with Leucine at position 81 of the encoded protein. In silico predictions are in favor of damaging effect for p.(Pro81Leu) [REVEL score = 0.91]. Based on available evidence, the c.242C>T p.(Pro81Leu) variant identified in the SDHD gene is reported as Pathogenic.

Quest Diagnostics Nichols Institute San Juan Capistrano
Classification: Pathogenic. Last evaluated: 2022-05-06. Review status: criteria provided, single submitter. Criteria: Quest Diagnostics criteria. Collection method: clinical testing. Allele origin: unknown.
Comment: The frequency of this variant in the general population, 0.000021 (6/282810 chromosomes), is uninformative in assessment of its pathogenicity. In the published literature, the variant has been reported in individuals/families with paraganglioma and/or pheochromocytoma (PMIDs: 30877234 (2019), 30375904 (2018), 29625052 (2018), 25494863 (2015), 24436918 (2013), 23433498 (2013), 21348866 (2012), 21348866 (2011), 19454582 (2009), 15479192 (2004), 11897817 (2002), 11391796 (2001), 10657297 (2000)), and is found to co-segregate with disease in multiple families (PMIDs: 11391796 (2001) and 21937622 (2011)). An experimental study using a humanized yeast construct has reported this variant results in oxidative growth, SDH activity, oxygen consumption and mtDNA mutability similar to WT (PMID: 23175444 (2013), however, studies using tumor tissue have demonstrated that this variant results in reduced enzyme activity (PMID: 24758185) and increased fumarate:succinate ratio (PMID: 24758185 (2014) and 30050099 (2019)). Analysis of this variant using bioinformatics tools for the prediction of the effect of amino acid changes on protein structure and function yielded predictions that this variant is damaging. Based on the available information, this variant is classified as pathogenic.

Greenwood Genetic Center Diagnostic Laboratories, Greenwood Genetic Center
Classification: Likely pathogenic for Mitochondrial complex II deficiency, nuclear type 1. Last evaluated: 2022-01-25. Review status: criteria provided, single submitter. Criteria: ACMG Guidelines, 2015. Collection method: clinical testing. Allele origin: germline.
Comment: PS4, PM2, PP3

GeneDx
Classification: Pathogenic. Last evaluated: 2021-12-06. Review status: criteria provided, single submitter. Criteria: GeneDx Variant Classification Process June 2021. Collection method: clinical testing. Allele origin: germline. Affected: yes.
Comment: Not observed at a significant frequency in large population cohorts (Lek 2016); In silico analysis supports that this missense variant has a deleterious effect on protein structure/function; This variant is associated with the following publications: (PMID: 23175444, 15328326, 28748451, 25494863, 19454582, 24758185, 30375904, 29386252, 11156372, 26259135, 25014000, 11897817, 11343322, 11391798, 12811540, 19802898, 26916530, 11391796, 26113606, 25326637, 25695889, 22290790, 15235042, 14974914, 17102085, 15479192, 10657297, 28179334, 29341163, 24102379, 23433498, 21348866, 24436918, 29681642, 30658386, 29777207, 30050099, 30877234, 22575350, 29625052, 31492822, 32741965, 30787465, 33087929)

ARUP Laboratories, Molecular Genetics and Genomics, ARUP Laboratories
Classification: Pathogenic. Last evaluated: 2021-11-01. Review status: criteria provided, single submitter. Criteria: ARUP Molecular Germline Variant Investigation Process 2021. Collection method: clinical testing. Allele origin: germline.
Comment: The SDHD c.242C>T; p.Pro81Leu variant (rs80338844) is one of the most common variants reported in familial and sporadic cases of head and neck paraganglioma (PGL) (Andrews 2018, Astrom 2003, Baysal 2000, Baysal 2002, Sridhara 2013, Xekouki 2015). It has been reported to co-segregate with disease in several affected families (Astrom 2003, Baysal 2000, Xekouki 2015). This variant is reported as pathogenic by multiple laboratories in ClinVar (Variation ID: 6896), and it is observed on only six chromosomes in the Genome Aggregation Database, indicating it is not a common polymorphism. The proline at codon 81 is well conserved across a variety of species and computational algorithms (SIFT, PolyPhen-2) predict that this variant is deleterious. Based on available information, this variant is considered to be pathogenic. References: Andrews KA et al. Tumour risks and genotype-phenotype correlations associated with germline variants in succinate dehydrogenase subunit genes SDHB, SDHC and SDHD. J Med Genet. 2018 Jun;55(6):384-394. Astrom K et al. Altitude is a phenotypic modifier in hereditary paraganglioma type 1: evidence for an oxygen-sensing defect. Hum Genet. 2003 Aug;113(3):228-37. Baysal BE et al. Mutations in SDHD, a mitochondrial complex II gene, in hereditary paraganglioma. Science. 2000 Feb 4;287(5454):848-51. Baysal BE et al. Prevalence of SDHB, SDHC, and SDHD germline mutations in clinic patients with head and neck paragangliomas. J Med Genet. 2002 Mar;39(3):178-83. Sridhara SK et al. Genetic testing in head and neck paraganglioma: who, what, and why? J Neurol Surg B Skull Base. 2013 Aug;74(4):236-40. Xekouki P et al. Pituitary adenoma with paraganglioma/pheochromocytoma (3PAs) and succinate dehydrogenase defects in humans and mice. J Clin Endocrinol Metab. 2015 May;100(5):E710-9.

Fulgent Genetics
Classification: Pathogenic for Pheochromocytoma/paraganglioma syndrome 1; Pheochromocytoma; Mitochondrial complex II deficiency, nuclear type 1; Carney-Stratakis syndrome. Last evaluated: 2018-10-31. Review status: criteria provided, single submitter. Criteria: ACMG Guidelines, 2015. Collection method: clinical testing. Allele origin: unknown.